The following is an entry in ClinVar:

NM_001184.4(ATR):c.437C>T (p.Thr146Ile)

Gene: ATR (ATR serine/threonine kinase; minus strand). Cytogenetic location: 3q23.
Variant type: single nucleotide variant.
Coding change: c.437C>T on transcript NM_001184.4 (MANE Select); coding-DNA position 437, C replaced by T.
Protein change: p.Thr146Ile; replaces threonine 146 with isoleucine.
Molecular consequence: missense variant.
Genome position (GRCh38, 1-based): chr3:142,562,965, G>A on the plus strand (C>T on the coding strand, the complement: ATR is on the minus strand). VCF-style: chr3-142562965-G-A. GRCh37 (hg19) VCF-style: chr3-142281807-G-A.
Other names: c.437C>T, p.Thr146Ile (NM_001354579.2); short protein forms T146I.
Identifiers: ClinVar variation 3463044 (VCV003463044.1).

ClinVar aggregate classification (germline): Uncertain significance (1 of 4 stars; one submission).

Conditions:
Inborn genetic diseases. Identifiers: MedGen C0950123, MeSH D030342.

Submission:

Ambry Genetics
Classification: Uncertain significance for Inborn genetic diseases. Last evaluated: 2024-10-13. Review status: criteria provided, single submitter. Criteria: Ambry Variant Classification Scheme 2023. Collection method: clinical testing. Allele origin: germline.
Comment: The p.T146I variant (also known as c.437C>T), located in coding exon 4 of the ATR gene, results from a C to T substitution at nucleotide position 437. The threonine at codon 146 is replaced by isoleucine, an amino acid with similar properties. This amino acid position is conserved. In addition, this alteration is predicted to be tolerated by in silico analysis. Based on the available evidence, the clinical significance of this variant remains unclear.